The following is an entry in ClinVar:

NM_000297.4(PKD2):c.1445del (p.Phe482fs)

Gene: PKD2 (polycystin 2, transient receptor potential cation channel; plus strand). Cytogenetic location: 4q22.1.
Variant type: Deletion.
Coding change: c.1445del on transcript NM_000297.4 (MANE Select); coding-DNA position 1445, one base deleted (T; older notation c.1445delT).
Protein change: p.Phe482fs; shifts the reading frame from phenylalanine 482.
Molecular consequence: frameshift variant. On other transcripts: non-coding transcript variant (1).
Genome position (GRCh38, 1-based): chr4:88,046,767, T deleted; the last of 3 consecutive T bases (chr4:88,046,765-88,046,767); deleting any one gives the same sequence. VCF-style (leftmost placement, unchanged base first): chr4-88046764-GT-G. GRCh37 (hg19) VCF-style: chr4-88967916-GT-G.
Other names: c.1445delT (NM_000297.3); short protein forms F482fs.
Identifiers: ClinVar variation 974543 (VCV000974543.8), dbSNP rs1578135940, ClinGen allele CA917247594.

ClinVar aggregate classification (germline): Pathogenic. Review status: criteria provided, multiple submitters, no conflicts (2 of 4 stars). 7 submissions from 7 submitters: Pathogenic (6). 1 of the submissions does not count toward it. Last evaluated 2026-01-26.

Conditions:
Polycystic kidney disease. Also called: Polycystic kidney dysplasia; Kidney, Polycystic. Identifiers: MedGen C0022680, MeSH D007690, MONDO:0020642, HP:0000113.
Polycystic kidney disease 2 (PKD2). Also called: Polycystic Kidney Disease 2, Autosomal Dominant; POLYCYSTIC KIDNEY DISEASE 2 WITH OR WITHOUT POLYCYSTIC LIVER DISEASE; POLYCYSTIC KIDNEY DISEASE, ADULT, TYPE II. Identifiers: MedGen C2751306, MONDO:0013131, OMIM 613095.

Submissions (7):

Medical and Scientific Branch, Hong Kong Genome Institute
Classification: Pathogenic for Polycystic kidney disease 2. Last evaluated: 2026-01-26. Review status: criteria provided, single submitter. Criteria: ACMG Guidelines, 2015. Collection method: clinical testing. Allele origin: unknown. Affected: yes.

Genetics Department, Catlab
Classification: Pathogenic for Polycystic kidney disease 2. Last evaluated: 2025-09-09. Review status: criteria provided, single submitter. Criteria: ACMG Guidelines, 2015. Collection method: clinical testing. Allele origin: germline. Affected: yes. Observed: 1 variant allele.
Comment: The c.1445del variant is a loss of function variant predicted to undergo nonsense mediated decay and loss of function variants have been described as a causing mechanism for the gene (PVS1_verystrong). The variant is absent from the gnomAD v4.1 (PM2_moderate). Moreover, it has been previously identified in several independent families (PMID: 9326320, 33532864, 11007674) (PS4_moderate). With all the available evidence, the variant is classified as pathogenic.

Fulgent Genetics
Classification: Pathogenic for Polycystic kidney disease 2. Last evaluated: 2024-01-05. Review status: criteria provided, single submitter. Criteria: ACMG Guidelines, 2015. Collection method: clinical testing. Allele origin: germline.

(GEEPAD) Grupo de Estudio de la Enfermedad Poliquística Autosómica Dominante, Hospitales Universitarios Virgen de las Nieves y San Cecilio (Granada)
Classification: Pathogenic for Polycystic kidney disease 2. Last evaluated: 2022-08-03. Review status: criteria provided, single submitter. Criteria: ACMG Guidelines, 2015. Collection method: clinical testing. Allele origin: germline. Affected: yes. Observed: 1 variant allele.

Molecular Biology Laboratory, Fundació Puigvert
Classification: Pathogenic for Polycystic kidney disease 2. Last evaluated: 2020-02-01. Review status: criteria provided, single submitter. Criteria: ACMG Guidelines, 2015. Collection method: research. Allele origin: maternal. Affected: yes. Study: KidneyPanel_2020.

Clinical Genetics Service, Universitary Hospital 12 de Octubre
Classification: Pathogenic for Polycystic kidney disease 2. Review status: criteria provided, single submitter. Criteria: ACMG Guidelines, 2015. Collection method: clinical testing. Allele origin: germline. Affected: yes.

Department of Pathology and Laboratory Medicine, Sinai Health System
Classification: Pathogenic for Polycystic Kidney disease. Review status: no assertion criteria provided. Collection method: clinical testing. Allele origin: unknown. Affected: yes. Study: The Canadian Open Genetics Repository (COGR). Not counted in ClinVar's aggregate classification.
Comment: The PKD2 p.Phe482Serfs*32 variant was identified in 6 of 234 proband chromosomes (frequency: 0.03) from individuals or families with autosomal dominant polycystic kidney disease and was not identified in 84 control chromosomes from healthy individuals (Hateboer 2000, Reynolds 1999, Torra 2000, Veldhuisen 1997). The variant was also identified in LOVD 3.0 and in the ADPKD Mutation Database (as definitely pathogenic). It was not identified in the dbSNP, ClinVar or PKD1-LOVD database, nor was it identified in the following control databases: the Exome Aggregation Consortium (August 8th 2016) or the Genome Aggregation Database (Feb 27, 2017). The c.1445del variant is predicted to cause a frameshift, which alters the protein amino acid sequence beginning at codon 482 and leads to a premature stop codon 32 codons downstream. This alteration is then predicted to result in a truncated or absent protein and loss of function. Loss of function variants of the PKD2 gene are an established mechanism of disease in autosomal dominant polycystic kidney disease and is the type of variant expected to cause the disorder. In summary, based on the above information, this variant meets our laboratoryâ€šÃ„Ã´s criteria to be classified as pathogenic.

Literature cited by the submitters: PubMed 9326320 (cited by Genetics Department, Catlab); PubMed 33532864 (cited by Genetics Department, Catlab and Molecular Biology Laboratory, Fundació Puigvert); PubMed 11007674 (cited by Genetics Department, Catlab).